The following is an entry in ClinVar:

ClinVar aggregate classification (germline): Uncertain significance. Review status: criteria provided, multiple submitters, no conflicts (2 of 4 stars). 4 submissions from 4 submitters: Uncertain significance (4). Last evaluated 2026-02-25.

Conditions:
OTOF-related disorder. Also called: OTOF-related condition.
Inborn genetic diseases. Identifiers: MedGen C0950123, MeSH D030342.

Allele frequency attached by ClinVar (database versions not stated): gnomAD exomes 0.00001; gnomAD 0.00007 and 0.00009; TOPMed 0.00020.

Submissions (4):

PreventionGenetics, part of Exact Sciences
Classification: Uncertain significance for OTOF-related condition. Last evaluated: 2026-02-25. Review status: criteria provided, single submitter. Criteria: ACMG Guidelines, 2015. Collection method: clinical testing. Allele origin: germline.
Comment: The OTOF c.788C>T variant is predicted to result in the amino acid substitution p.Ala263Val. To our knowledge, this variant has not been reported in the literature. This variant is reported in 0.0028% of alleles in individuals of Latino descent in gnomAD. At this time, the clinical significance of this variant is uncertain due to the absence of conclusive functional and genetic evidence.

GeneDx
Classification: Uncertain significance. Last evaluated: 2026-01-02. Review status: criteria provided, single submitter. Criteria: GeneDx Variant Classification Process June 2021. Collection method: clinical testing. Allele origin: germline.
Comment: Not observed at significant frequency in large population cohorts (gnomAD); In silico analysis supports that this missense variant has a deleterious effect on protein structure/function; Has not been previously published as pathogenic or benign to our knowledge

Ambry Genetics
Classification: Uncertain significance for Inborn genetic diseases. Last evaluated: 2025-11-11. Review status: criteria provided, single submitter. Criteria: Ambry Variant Classification Scheme 2023. Collection method: clinical testing. Allele origin: germline.

Labcorp Genetics (formerly Invitae), Labcorp
Classification: Uncertain significance. Last evaluated: 2021-08-19. Review status: criteria provided, single submitter. Criteria: Invitae Variant Classification Sherloc (09022015). Collection method: clinical testing. Allele origin: germline.
Comment: This sequence change replaces alanine with valine at codon 263 of the OTOF protein (p.Ala263Val). The alanine residue is highly conserved and there is a small physicochemical difference between alanine and valine. This variant is not present in population databases (ExAC no frequency). This variant has not been reported in the literature in individuals affected with OTOF-related conditions. Algorithms developed to predict the effect of missense changes on protein structure and function (SIFT, PolyPhen-2, Align-GVGD) all suggest that this variant is likely to be disruptive. Algorithms developed to predict the effect of sequence changes on RNA splicing suggest that this variant may create or strengthen a splice site. In summary, the available evidence is currently insufficient to determine the role of this variant in disease. Therefore, it has been classified as a Variant of Uncertain Significance.

NM_194248.3(OTOF):c.788C>T (p.Ala263Val)

Gene: OTOF (otoferlin; minus strand). Cytogenetic location: 2p23.3.
Variant type: single nucleotide variant.
Coding change: c.788C>T on transcript NM_194248.3 (MANE Select); coding-DNA position 788, C replaced by T.
Protein change: p.Ala263Val; replaces alanine 263 with valine.
Molecular consequence: missense variant.
Genome position (GRCh38, 1-based): chr2:26,495,051, G>A on the plus strand (C>T on the coding strand, the complement: OTOF is on the minus strand). VCF-style: chr2-26495051-G-A. GRCh37 (hg19) VCF-style: chr2-26717919-G-A.
Other names: c.788C>T, p.Ala263Val (NM_001287489.2); c.788C>T (NM_194248.2); short protein forms A263V.
Identifiers: ClinVar variation 1426665 (VCV001426665.8), dbSNP rs1013661076, ClinGen allele CA44411644.